The following is an entry in ClinVar:

NM_000548.5(TSC2):c.292C>T (p.Arg98Trp)

Gene: TSC2 (TSC complex subunit 2; plus strand). Cytogenetic location: 16p13.3.
Variant type: single nucleotide variant.
Coding change: c.292C>T on transcript NM_000548.5 (MANE Select); coding-DNA position 292, C replaced by T.
Protein change: p.Arg98Trp; replaces arginine 98 with tryptophan.
Molecular consequence: missense variant. On other transcripts: intron variant (2).
Genome position (GRCh38, 1-based): chr16:2,053,408, C>T. VCF-style: chr16-2053408-C-T. GRCh37 (hg19) VCF-style: chr16-2103409-C-T.
Other names: c.292C>T, p.Arg98Trp (NM_001077183.3, NM_001114382.3, NM_001363528.2 and 3 more transcripts); c.145C>T, p.Arg49Trp (NM_001318829.2); c.325C>T, p.Arg109Trp (NM_001318832.2); c.226-888C>T (NM_001318827.2); c.-1-2788C>T (NM_001318831.2); c.292C>T (NM_000548.4); short protein forms R98W, R109W, R49W.
Identifiers: ClinVar variation 65223 (VCV000065223.25), dbSNP rs372321790, ClinGen allele CA018319.

ClinVar aggregate classification (germline): Conflicting classifications of pathogenicity. Review status: criteria provided, conflicting classifications (1 of 4 stars). 11 submissions from 11 submitters: Uncertain significance (4); Benign (2); Likely benign (3). 2 of the submissions do not count toward it. Last evaluated 2026-06-27.

Conditions:
TSC2-related disorder. Also called: TSC2-Related Disorders; TSC2-related condition.
Hereditary cancer-predisposing syndrome. Also called: Hereditary Cancer Syndrome; Neoplastic Syndromes, Hereditary; Hereditary neoplastic syndrome; Tumor predisposition. Identifiers: Orphanet 140162, MedGen C0027672, MeSH D009386, MONDO:0015356.
Tuberous sclerosis syndrome (TSC). Also called: Tuberous Sclerosis Complex; Tuberous sclerosis. Identifiers: Orphanet 805, MedGen C0041341, MONDO:0001734.
Tuberous sclerosis 2 (TSC2). Identifiers: Orphanet 805, MedGen C1860707, MONDO:0013199, OMIM 613254.

Allele frequency attached by ClinVar (database versions not stated): ExAC 0.00003; gnomAD exomes 0.00004; ESP Exome Variant Server 0.00008; 1000 Genomes Project 30x 0.00016; 1000 Genomes Project 0.00020.
gnomAD v4.1: 23 of 1,588,458 alleles (0.0014%); highest among the groups gnomAD compares: Admixed American, 0.012%; no homozygotes.

Submissions (11):

PreventionGenetics, part of Exact Sciences
Classification: Likely benign for TSC2-related condition. Last evaluated: 2026-06-27. Review status: criteria provided, single submitter. Criteria: ACMG Guidelines, 2015. Collection method: clinical testing. Allele origin: germline.
Comment: This variant is classified as likely benign based on ACMG/AMP sequence variant interpretation guidelines (Richards et al. 2015 PMID: 25741868, with internal and published modifications).

Labcorp Genetics (formerly Invitae), Labcorp
Classification: Benign for Tuberous sclerosis 2. Last evaluated: 2026-02-03. Review status: criteria provided, single submitter. Criteria: Invitae Variant Classification Sherloc (09022015). Collection method: clinical testing. Allele origin: germline.

All of Us Research Program, National Institutes of Health
Classification: Uncertain significance for Tuberous sclerosis syndrome. Last evaluated: 2024-08-13. Review status: criteria provided, single submitter. Criteria: ACMG Guidelines, 2015. Collection method: clinical testing. Allele origin: germline. Inheritance: Autosomal dominant inheritance. Observed: 12 variant alleles, 12 heterozygotes.
Comment: This missense variant replaces arginine with tryptophan at codon 98 of the TSC2 protein. Computational prediction suggests that this variant may have deleterious impact on protein structure and function (internally defined REVEL score threshold >= 0.7, PMID: 27666373). Functional studies have shown that this variant affected protein stability and activation of mTORC1 (PMID: 18854862, 21309039). This variant has been reported in an individual affected with tuberous sclerosis complex, who had a co-occurring co-occurring deletion of exons 1-8 in the TSC2 gene (PMID: 18854862). This variant has not been identified in the general population by the Genome Aggregation Database (gnomAD). The available evidence is insufficient to determine the role of this variant in disease conclusively. Therefore, this variant is classified as a Variant of Uncertain Significance.

This study involves interpretation of variants in research participants for the purpose of population health screening. Participant phenotype was not available at the time of variant classification. Additional details can be found in publication PMID: 35346344, PMCID: PMC8962531

Color Diagnostics, LLC DBA Color Health
Classification: Uncertain significance for Tuberous sclerosis syndrome. Last evaluated: 2024-06-05. Review status: criteria provided, single submitter. Criteria: ACMG Guidelines, 2015. Collection method: clinical testing. Allele origin: germline.
Comment: This missense variant replaces arginine with tryptophan at codon 98 of the TSC2 protein. Computational prediction suggests that this variant may have deleterious impact on protein structure and function. Functional studies have shown that this variant affected protein stability and activation of mTORC1 (PMID: 18854862, 21309039). This variant has been reported in an individual affected with tuberous sclerosis complex, who had a co-occurring co-occurring deletion of exons 1-8 in the TSC2 gene (PMID: 18854862). This variant has been identified in 8/205098 chromosomes in the general population by the Genome Aggregation Database (gnomAD). The available evidence is insufficient to determine the role of this variant in disease conclusively. Therefore, this variant is classified as a Variant of Uncertain Significance.

Quest Diagnostics Nichols Institute San Juan Capistrano
Classification: Uncertain significance. Last evaluated: 2024-05-14. Review status: criteria provided, single submitter. Criteria: Quest Diagnostics criteria. Collection method: clinical testing. Allele origin: unknown.

Genome-Nilou Lab
Classification: Likely benign for Tuberous sclerosis 2. Last evaluated: 2021-11-07. Review status: criteria provided, single submitter. Criteria: ACMG Guidelines, 2015. Collection method: clinical testing. Allele origin: germline. Affected: no.

Ambry Genetics
Classification: Likely benign for Hereditary cancer-predisposing syndrome. Last evaluated: 2021-04-08. Review status: criteria provided, single submitter. Criteria: Ambry Variant Classification Scheme 2023. Collection method: clinical testing. Allele origin: germline.

GeneDx
Classification: Uncertain significance. Last evaluated: 2020-03-11. Review status: criteria provided, single submitter. Criteria: GeneDx Variant Classification Process June 2021. Collection method: clinical testing. Allele origin: germline. Affected: yes.
Comment: Reported in a deceased fetus with TSC who may have had a deletion of the TSC2 gene on the opposite allele (in trans); inherited from an unaffected mother (Coevoets et al., 2009); Published functional studies suggest the variant may have a damaging effect (Coevoets et al., 2009; Hoogeveen-Westerveld et al., 2011); In silico analysis supports that this missense variant has a deleterious effect on protein structure/function; This variant is associated with the following publications: (PMID: 25637381, 18854862, 21309039)

Mendelics
Classification: Benign for Tuberous sclerosis 2. Last evaluated: 2019-05-28. Review status: criteria provided, single submitter. Criteria: Mendelics Assertion Criteria 2017. Collection method: clinical testing. Allele origin: unknown.

CSER _CC_NCGL, University of Washington
Classification: Likely benign for Tuberous sclerosis. Last evaluated: 2014-06-01. Review status: no assertion criteria provided. Collection method: research. Allele origin: germline. Inheritance: Autosomal dominant inheritance. Study: ESP 6500 variant annotation. Not counted in ClinVar's aggregate classification.
Comment: Variants classified for the Actionable exomic incidental findings in 6503 participants: challenges of variant classification manuscript

Tuberous sclerosis database (TSC2)
No classification provided. Condition: TSC. Review status: no classification provided. Criteria: Tuberous Sclerosis Database Assertion Criteria 2015. Collection method: curation. Allele origin: germline. Affected: yes. Not counted in ClinVar's aggregate classification.

Literature cited by the submitters: PubMed 18854862 (cited by 4 submitters); PubMed 21309039 (cited by 4 submitters); PubMed 35441217 (cited by Quest Diagnostics Nichols Institute San Juan Capistrano); PubMed 23514105 (cited by Quest Diagnostics Nichols Institute San Juan Capistrano and Ambry Genetics).